The following is an entry in ClinVar:

ClinVar aggregate classification (germline): Pathogenic. Review status: criteria provided, multiple submitters, no conflicts (2 of 4 stars). 3 submissions from 3 submitters: Pathogenic (3). Last evaluated 2023-01-17.

Conditions:
Hereditary breast ovarian cancer syndrome. Also called: Breast and ovarian cancer; BRCA1- and BRCA2-Associated Hereditary Breast and Ovarian Cancer; Hereditary breast and ovarian cancer; Hereditary breast and/or ovarian cancer syndrome; Hereditary breast and ovarian cancer syndrome; Hereditary breast and ovarian cancer syndrome (HBOC). Identifiers: Orphanet 145, MedGen C0677776, MeSH D061325, MONDO:0003582. Disease mechanism: loss of function.
Hereditary cancer-predisposing syndrome. Also called: Tumor predisposition; Hereditary neoplastic syndrome; Neoplastic Syndromes, Hereditary; Hereditary Cancer Syndrome. Identifiers: Orphanet 140162, MedGen C0027672, MeSH D009386, MONDO:0015356.
Breast-ovarian cancer, familial, susceptibility to, 2 (BROVCA2). Also called: BRCA2 Hereditary Breast and Ovarian Cancer. Identifiers: Orphanet 145, MedGen C2675520, MONDO:0012933, OMIM 612555. Disease mechanism: loss of function.

Submissions (3):

Myriad Genetics, Inc.
Classification: Pathogenic for Breast-ovarian cancer, familial, susceptibility to, 2. Last evaluated: 2023-01-17. Review status: criteria provided, single submitter. Criteria: Myriad Autosomal Dominant, Autosomal Recessive and X-Linked Classification Criteria (2023). Collection method: clinical testing. Allele origin: unknown.
Comment: This variant is considered pathogenic. This variant creates a frameshift predicted to result in premature protein truncation.

Color Diagnostics, LLC DBA Color Health
Classification: Pathogenic for Hereditary cancer-predisposing syndrome. Last evaluated: 2019-09-10. Review status: criteria provided, single submitter. Criteria: ACMG Guidelines, 2015. Collection method: clinical testing. Allele origin: germline.
Comment: This variant inserts 1 nucleotide in exon 10 of the BRCA2 gene, creating a frameshift and premature translation stop signal. This variant is expected to result in an absent or non-functional protein product. Splice site prediction tools suggest that this variant may not impact RNA splicing. To our knowledge, functional studies have not been performed for this variant. This variant has not been reported in individuals affected with hereditary cancer in the literature. This variant has not been identified in the general population by the Genome Aggregation Database (gnomAD). Loss of BRCA2 function is a known mechanism of disease. Based on the available evidence, this variant is classified as Pathogenic.

Labcorp Genetics (formerly Invitae), Labcorp
Classification: Pathogenic for Hereditary breast ovarian cancer syndrome. Last evaluated: 2018-05-22. Review status: criteria provided, single submitter. Criteria: Invitae Variant Classification Sherloc (09022015). Collection method: clinical testing. Allele origin: germline.
Comment: This sequence change creates a premature translational stop signal (p.Asn337Lysfs*3) in the BRCA2 gene. It is expected to result in an absent or disrupted protein product. For these reasons, this variant has been classified as Pathogenic. Loss-of-function variants in BRCA2 are known to be pathogenic (PMID: 20104584). This variant has not been reported in the literature in individuals with BRCA2-related disease. This variant is not present in population databases (ExAC no frequency).

Literature cited by the submitters: PubMed 20104584 (cited by Labcorp Genetics (formerly Invitae), Labcorp).

NM_000059.4(BRCA2):c.1010dup (p.Asn337fs)

Gene: BRCA2 (BRCA2 DNA repair associated; plus strand). Cytogenetic location: 13q13.1.
Variant type: Duplication.
Coding change: c.1010dup on transcript NM_000059.4 (MANE Select); coding-DNA position 1010, one base duplicated (A; older notation c.1010dupA).
Protein change: p.Asn337fs; shifts the reading frame from asparagine 337.
Molecular consequence: frameshift variant.
Genome position (GRCh38, 1-based): chr13:32,332,488, A duplicated; the last of 3 consecutive A bases (chr13:32,332,486-32,332,488); duplicating any one gives the same sequence. VCF-style (leftmost placement, unchanged base first): chr13-32332485-C-CA. GRCh37 (hg19) VCF-style: chr13-32906622-C-CA.
Other names: c.1010dupA (NM_000059.3); short protein forms N337fs.
Identifiers: ClinVar variation 927643 (VCV000927643.10), dbSNP rs2072402499, ClinGen allele CA1139663102.